The following is an entry in ClinVar:

ClinVar aggregate classification (germline): Conflicting classifications of pathogenicity. Review status: criteria provided, conflicting classifications (1 of 4 stars). 3 submissions from 3 submitters: Uncertain significance (1); Benign (1). 1 of the submissions does not count toward it. Last evaluated 2026-01-30.

Conditions:
FRAS1-related disorder. Also called: FRAS1-related condition.

Allele frequency attached by ClinVar (database versions not stated): gnomAD exomes 0.00013 and 0.00035; ExAC 0.00042; gnomAD 0.00115 and 0.00132; ESP Exome Variant Server 0.00134; TOPMed 0.00154; 1000 Genomes Project 0.00160; 1000 Genomes Project 30x 0.00203.
gnomAD v4.1: 398 of 1,592,140 alleles (0.025%); highest among the groups gnomAD compares: African/African-American, 0.47%; no homozygotes.

Submissions (3):

Labcorp Genetics (formerly Invitae), Labcorp
Classification: Benign. Last evaluated: 2026-01-30. Review status: criteria provided, single submitter. Criteria: Invitae Variant Classification Sherloc (09022015). Collection method: clinical testing. Allele origin: germline.

Eurofins Ntd Llc (ga)
Classification: Uncertain significance. Last evaluated: 2017-01-26. Review status: criteria provided, single submitter. Criteria: EGL Classification Definitions 2015. Collection method: clinical testing. Allele origin: germline. Observed: 1 variant allele, 1 heterozygote.

PreventionGenetics, part of Exact Sciences
Classification: Likely benign for FRAS1-related condition. Last evaluated: 2019-09-09. Review status: no assertion criteria provided. Collection method: clinical testing. Allele origin: germline. Not counted in ClinVar's aggregate classification.
Comment: This variant is classified as likely benign based on ACMG/AMP sequence variant interpretation guidelines (Richards et al. 2015 PMID: 25741868, with internal and published modifications).

NM_025074.7(FRAS1):c.108+10T>G

Gene: FRAS1 (Fraser extracellular matrix complex subunit 1; plus strand). Cytogenetic location: 4q21.21.
Variant type: single nucleotide variant.
Coding change: c.108+10T>G on transcript NM_025074.7 (MANE Select); 10 bases into the intron after coding-DNA position 108, T replaced by G.
Molecular consequence: intron variant.
Genome position (GRCh38, 1-based): chr4:78,066,026, T>G. VCF-style: chr4-78066026-T-G. GRCh37 (hg19) VCF-style: chr4-78987180-T-G.
Other names: c.108+10T>G (NM_001166133.2).
Identifiers: ClinVar variation 499756 (VCV000499756.17), dbSNP rs76831011, ClinGen allele CA2975824.